The following is an entry in ClinVar:

NM_000518.5(HBB):c.158A>T (p.Asp53Val)

Genes: HBB (hemoglobin subunit beta; minus strand), LOC107133510 (origin of replication at HBB; plus strand), LOC106099062 (HBB recombination region; plus strand). Cytogenetic location: 11p15.4.
Variant type: single nucleotide variant.
Coding change: c.158A>T on transcript NM_000518.5 (MANE Select); coding-DNA position 158, A replaced by T.
Protein change: p.Asp53Val; replaces aspartic acid 53 with valine.
Molecular consequence: missense variant.
Genome position (GRCh38, 1-based): chr11:5,226,734, T>A on the plus strand (A>T on the coding strand, the complement: HBB is on the minus strand). VCF-style: chr11-5226734-T-A. GRCh37 (hg19) VCF-style: chr11-5247964-T-A.
Other names: short protein forms D53V.
Identifiers: ClinVar variation 618676 (VCV000618676.8), dbSNP rs33919924, ClinGen allele CA217114308.

ClinVar aggregate classification (germline): Uncertain significance (1 of 4 stars; one submission).

Submission:

ARUP Laboratories, Molecular Genetics and Genomics, ARUP Laboratories
Classification: Uncertain significance. Last evaluated: 2018-06-28. Review status: criteria provided, single submitter. Criteria: ARUP Molecular Germline Variant Investigation Process. Collection method: clinical testing. Allele origin: germline.
Comment: The Hb Akron c.158A>T; Asp52Val variant (rs33919924) has been described in the heterozygous state in an individual with normal clinical presentation in the HbVar database (see link). However, its phenotype when found with other globin variants is unknown. This variant is absent from general population databases (1000 Genomes Project, Exome Variant Server, and Genome Aggregation Database), indicating it is not a common polymorphism. Additionally, one other variant at this codon (c.157G>A, Asp52Asn) has been reported in trans with other hemoglobin variants (Hb C, Hb S) without any clinically significant phenotype (HbVar, Boucher 2016, Cook 2013, Konotey-Ahulu 1971), and is considered benign. The aspartic acid at codon 52 is weakly conserved, but computational analyses (SIFT, PolyPhen-2) predict that this variant is deleterious. Due to limited information, the clinical significance of the Asp52Val variant is uncertain at this time. References: Link to HbVar Database: Boucher MO et al Mild Microcytic Anemia in an Infant with a Compound Heterozygosity for Hb C (HBB: c.19G?>?A) and Hb Osu Christiansborg (HBB: c.157G?>?A). Hemoglobin. 2016 40(3):208-9. Cook CM et al. The clinical and laboratory spectrum of Hb C (Beta6(A3)Glu>Lys, GAG>AAG) disease. Hemoglobin. 2013 37(1):16-25. Konotey-Ahulu FI et al. Haemoglobin Osu-Christiansborg: a new beta-chain variant of haemoglobin A ( beta52 (D3) aspartic acid leads to asparagine) in combination with haemoglobin S. J Med Genet. 1971 8(3):302-5.